The following is an entry in ClinVar:

ClinVar aggregate classification (germline): Pathogenic (1 of 4 stars; one submission).

Conditions:
Pontocerebellar hypoplasia, type 11. Identifiers: Orphanet 611247, MedGen C4540164, MONDO:0054669, OMIM 617695.

Submission:

Centre for Mendelian Genomics, University Medical Centre Ljubljana
Classification: Pathogenic for Pontocerebellar hypoplasia, type 11. Last evaluated: 2018-11-21. Review status: criteria provided, single submitter. Criteria: ACMG Guidelines, 2015. Collection method: clinical testing. Allele origin: unknown. Affected: yes.
Comment: This variant was classified as: Pathogenic. The following ACMG criteria were applied in classifying this variant: PVS1,PM2,PP5.

NM_001199198.3(TBC1D23):c.1687+1G>C

Gene: TBC1D23 (TBC1 domain family member 23; plus strand). Cytogenetic location: 3q12.2.
Variant type: single nucleotide variant.
Coding change: c.1687+1G>C on transcript NM_001199198.3 (MANE Select); the canonical splice donor site of the intron after coding-DNA position 1687, G replaced by C.
Molecular consequence: splice donor variant.
Genome position (GRCh38, 1-based): chr3:100,316,188, G>C. VCF-style: chr3-100316188-G-C. GRCh37 (hg19) VCF-style: chr3-100035032-G-C.
Other names: c.1642+1G>C (NM_018309.5).
Identifiers: ClinVar variation 930943 (VCV000930943.3), dbSNP rs1553731603, ClinGen allele CA353819782.